The following is an entry in ClinVar:

ClinVar aggregate classification (germline): Likely benign. Review status: criteria provided, multiple submitters, no conflicts (2 of 4 stars). 2 submissions from 2 submitters: Likely benign (2). Last evaluated 2026-04-01.

Allele frequency attached by ClinVar (database versions not stated): gnomAD exomes below 0.00001; TOPMed below 0.00001; ExAC 0.00001.
gnomAD v4.1: 2 of 1,612,512 alleles (0.00012%); highest among the groups gnomAD compares: Admixed American, 0.0033%; no homozygotes.

Submissions (2):

CeGaT Center for Human Genetics Tuebingen
Classification: Likely benign. Last evaluated: 2026-04-01. Review status: criteria provided, single submitter. Criteria: CeGaT Center For Human Genetics Tuebingen Variant Classification Criteria Version 2. Collection method: clinical testing. Allele origin: germline. Affected: yes. Observed: 1 variant allele.
Comment: CPAP: BP4, BP7

Labcorp Genetics (formerly Invitae), Labcorp
Classification: Likely benign. Last evaluated: 2023-12-30. Review status: criteria provided, single submitter. Criteria: Invitae Variant Classification Sherloc (09022015). Collection method: clinical testing. Allele origin: germline.

NM_018451.5(CPAP):c.849C>T (p.Asn283=)

Gene: CPAP (centrosome assembly and centriole elongation protein; minus strand). Cytogenetic location: 13q12.13.
Variant type: single nucleotide variant.
Coding change: c.849C>T on transcript NM_018451.5 (MANE Select); coding-DNA position 849, C replaced by T.
Protein change: p.Asn283=; no amino-acid change (asparagine 283 retained).
Molecular consequence: synonymous variant. On other transcripts: non-coding transcript variant (2).
Genome position (GRCh38, 1-based): chr13:24,909,806, G>A on the plus strand (C>T on the coding strand, the complement: CPAP is on the minus strand). VCF-style: chr13-24909806-G-A. GRCh37 (hg19) VCF-style: chr13-25483944-G-A.
Identifiers: ClinVar variation 2901569 (VCV002901569.5), dbSNP rs773443821, ClinGen allele CA6919908.